The following is an entry in ClinVar:

NM_000138.5(FBN1):c.5536C>T (p.Gln1846Ter)

Gene: FBN1 (fibrillin 1; minus strand). Cytogenetic location: 15q21.1.
Variant type: single nucleotide variant.
Coding change: c.5536C>T on transcript NM_000138.5 (MANE Select); coding-DNA position 5536, C replaced by T.
Protein change: p.Gln1846Ter; replaces glutamine 1846 with a stop codon.
Molecular consequence: nonsense.
Genome position (GRCh38, 1-based): chr15:48,452,571, G>A on the plus strand (C>T on the coding strand, the complement: FBN1 is on the minus strand). VCF-style: chr15-48452571-G-A. GRCh37 (hg19) VCF-style: chr15-48744768-G-A.
Other names: short protein forms Q1846*.
Identifiers: ClinVar variation 580013 (VCV000580013.7), dbSNP rs1566900473, ClinGen allele CA392343894.

ClinVar aggregate classification (germline): Pathogenic (1 of 4 stars; one submission).

Conditions:
Familial thoracic aortic aneurysm and aortic dissection (TAAD). Also called: Thoracic aortic aneurysms and dissections. Identifiers: Orphanet 91387, MedGen C4707243, MONDO:0019625.
Marfan syndrome (MFS). Also called: FBN1-Related Marfan Syndrome; Marfan syndrome type 1; Marfan's syndrome; Marfan syndrome, classic; MARFAN SYNDROME, TYPE I. Identifiers: Orphanet 284963, Orphanet 558, MedGen C0024796, MONDO:0007947, OMIM 154700.

Submission:

Labcorp Genetics (formerly Invitae), Labcorp
Classification: Pathogenic for Marfan syndrome; Familial thoracic aortic aneurysm and aortic dissection. Last evaluated: 2022-03-22. Review status: criteria provided, single submitter. Criteria: Invitae Variant Classification Sherloc (09022015). Collection method: clinical testing. Allele origin: germline.
Comment: For these reasons, this variant has been classified as Pathogenic. ClinVar contains an entry for this variant (Variation ID: 580013). This variant has not been reported in the literature in individuals affected with FBN1-related conditions. This sequence change creates a premature translational stop signal (p.Gln1846*) in the FBN1 gene. It is expected to result in an absent or disrupted protein product. Loss-of-function variants in FBN1 are known to be pathogenic (PMID: 17657824, 19293843). This variant is not present in population databases (gnomAD no frequency).

Literature cited by the submitters: PubMed 17657824; PubMed 19293843.